The following is an entry in ClinVar:

ClinVar aggregate classification (germline): Uncertain significance. Review status: criteria provided, multiple submitters, no conflicts (2 of 4 stars). 2 submissions from 2 submitters: Uncertain significance (2). Last evaluated 2025-09-07.

Conditions:
Hypersulfaturia (HYSULF). Identifiers: MedGen C5830511, MONDO:0957268, OMIM 620372.
Nephrolithiasis susceptibility caused by SLC26A1 (CAON1). Also called: NEPHROLITHIASIS, CALCIUM OXALATE, 1. Identifiers: MedGen C5779632, MONDO:0020722, OMIM 167030.

Allele frequency attached by ClinVar (database versions not stated): gnomAD exomes 0.00002; TOPMed 0.00006; gnomAD 0.00009; ExAC 0.00014; 1000 Genomes Project 30x 0.00016; 1000 Genomes Project 0.00020.
gnomAD v4.1: 55 of 1,581,094 alleles (0.0035%); highest among the groups gnomAD compares: East Asian, 0.084%; no homozygotes.

Submissions (2):

Labcorp Genetics (formerly Invitae), Labcorp
Classification: Uncertain significance. Last evaluated: 2025-09-07. Review status: criteria provided, single submitter. Criteria: Invitae Variant Classification Sherloc (09022015). Collection method: clinical testing. Allele origin: germline.
Comment: This sequence change replaces arginine, which is basic and polar, with histidine, which is basic and polar, at codon 634 of the SLC26A1 protein (p.Arg634His). This variant is present in population databases (rs200360255, gnomAD 0.2%), and has an allele count higher than expected for a pathogenic variant. This variant has not been reported in the literature in individuals affected with SLC26A1-related conditions. ClinVar contains an entry for this variant (Variation ID: 2197906). Invitae Evidence Modeling of protein sequence and biophysical properties (such as structural, functional, and spatial information, amino acid conservation, physicochemical variation, residue mobility, and thermodynamic stability) indicates that this missense variant is not expected to disrupt SLC26A1 protein function with a negative predictive value of 80%. In summary, the available evidence is currently insufficient to determine the role of this variant in disease. Therefore, it has been classified as a Variant of Uncertain Significance.

Fulgent Genetics
Classification: Uncertain significance for Nephrolithiasis susceptibility caused by SLC26A1; Hypersulfaturia. Last evaluated: 2024-06-18. Review status: criteria provided, single submitter. Criteria: ACMG Guidelines, 2015. Collection method: clinical testing. Allele origin: germline.

NM_022042.4(SLC26A1):c.1901G>A (p.Arg634His)

Genes: IDUA (alpha-L-iduronidase; plus strand), SLC26A1 (solute carrier family 26 member 1; minus strand). Cytogenetic location: 4p16.3.
Variant type: single nucleotide variant.
Coding change: c.1901G>A on transcript NM_022042.4 (MANE Select); coding-DNA position 1901, G replaced by A.
Protein change: p.Arg634His; replaces arginine 634 with histidine.
Molecular consequence: missense variant. On other transcripts: intron variant (2).
Genome position (GRCh38, 1-based): chr4:989,038, C>T on the plus strand (G>A on the coding strand, the complement: SLC26A1 is on the minus strand). VCF-style: chr4-989038-C-T. GRCh37 (hg19) VCF-style: chr4-982826-C-T.
Other names: c.1901G>A, p.Arg634His (NM_213613.4); c.576+2090G>A (NM_134425.4); c.299+1089C>T (NM_000203.5); short protein forms R634H.
Identifiers: ClinVar variation 2197906 (VCV002197906.5), dbSNP rs200360255, ClinGen allele CA2801232.